The following is an entry in ClinVar:

NM_174936.4(PCSK9):c.1722C>T (p.His574=)

Gene: PCSK9 (proprotein convertase subtilisin/kexin type 9; plus strand). Cytogenetic location: 1p32.3.
Variant type: single nucleotide variant.
Coding change: c.1722C>T on transcript NM_174936.4 (MANE Select); coding-DNA position 1722, C replaced by T.
Protein change: p.His574=; no amino-acid change (histidine 574 retained).
Molecular consequence: synonymous variant. On other transcripts: non-coding transcript variant (8).
Genome position (GRCh38, 1-based): chr1:55,061,415, C>T. VCF-style: chr1-55061415-C-T. GRCh37 (hg19) VCF-style: chr1-55527088-C-T.
Other names: c.1845C>T, p.His615= (NM_001407240.1); c.1764C>T, p.His588= (NM_001407241.1); c.1725C>T, p.His575= (NM_001407242.1); c.1665C>T, p.His555= (NM_001407243.1); c.1548C>T, p.His516= (NM_001407244.1); c.1530C>T, p.His510= (NM_001407245.1); c.1347C>T, p.His449= (NM_001407246.1); c.1221C>T, p.His407= (NM_001407247.1).
Identifiers: ClinVar variation 3392982 (VCV003392982.1).

ClinVar aggregate classification (germline): Likely benign (1 of 4 stars; one submission).

Conditions:
Familial hypercholesterolemia. Also called: Familial hypercholesterolaemia. Identifiers: MedGen C0020445, MONDO:0005439.

gnomAD v4.1: 9 of 1,610,660 alleles (0.00056%); highest among the groups gnomAD compares: South Asian, 0.0089%; no homozygotes.

Submission:

GENinCode PLC
Classification: Likely benign for Familial hypercholesterolemia. Last evaluated: 2024-09-09. Review status: criteria provided, single submitter. Criteria: ACMG Guidelines, 2015. Collection method: clinical testing. Allele origin: germline.
Comment: This is a synonymous (silent) variant that is not predicted by SpliceAI to impact splicing. In addition, it occurs at a nucleotide that is not conserved. Therefore this variant has been classified as Likely Benign (BP4, BP7).